The following is an entry in ClinVar:

NM_001163435.3(TBCK):c.108C>G (p.Ile36Met)

Gene: TBCK (TBC1 domain containing kinase; minus strand). Cytogenetic location: 4q24.
Variant type: single nucleotide variant.
Coding change: c.108C>G on transcript NM_001163435.3 (MANE Select); coding-DNA position 108, C replaced by G.
Protein change: p.Ile36Met; replaces isoleucine 36 with methionine.
Molecular consequence: missense variant. On other transcripts: 5 prime UTR variant (1).
Genome position (GRCh38, 1-based): chr4:106,308,853, G>C on the plus strand (C>G on the coding strand, the complement: TBCK is on the minus strand). VCF-style: chr4-106308853-G-C. GRCh37 (hg19) VCF-style: chr4-107230010-G-C.
Other names: c.108C>G, p.Ile36Met (NM_001163436.4, NM_001163437.3, NM_033115.5); c.-510C>G (NM_001290768.2); short protein forms I36M.
Identifiers: ClinVar variation 1519920 (VCV001519920.6), dbSNP rs749173215, ClinGen allele CA3035544.

ClinVar aggregate classification (germline): Uncertain significance (1 of 4 stars; one submission).

Allele frequency attached by ClinVar (database versions not stated): gnomAD exomes below 0.00001; ExAC 0.00001.
gnomAD v4.1: 6 of 1,614,050 alleles (0.00037%); highest among the groups gnomAD compares: Admixed American, 0.0017%; no homozygotes.

Submission:

Labcorp Genetics (formerly Invitae), Labcorp
Classification: Uncertain significance. Last evaluated: 2022-08-23. Review status: criteria provided, single submitter. Criteria: Invitae Variant Classification Sherloc (09022015). Collection method: clinical testing. Allele origin: germline.
Comment: In summary, the available evidence is currently insufficient to determine the role of this variant in disease. Therefore, it has been classified as a Variant of Uncertain Significance. Algorithms developed to predict the effect of missense changes on protein structure and function are either unavailable or do not agree on the potential impact of this missense change (SIFT: "Tolerated"; PolyPhen-2: "Probably Damaging"; Align-GVGD: "Class C0"). ClinVar contains an entry for this variant (Variation ID: 1519920). This variant has not been reported in the literature in individuals affected with TBCK-related conditions. This variant is present in population databases (rs749173215, gnomAD 0.0009%). This sequence change replaces isoleucine, which is neutral and non-polar, with methionine, which is neutral and non-polar, at codon 36 of the TBCK protein (p.Ile36Met).